The following is an entry in ClinVar:

ClinVar aggregate classification (germline): Uncertain significance (1 of 4 stars; one submission).

gnomAD v4.1: 21 of 1,613,858 alleles (0.0013%); highest among the groups gnomAD compares: Non-Finnish European, 0.0014%; no homozygotes.

Submission:

Labcorp Genetics (formerly Invitae), Labcorp
Classification: Uncertain significance. Last evaluated: 2025-09-14. Review status: criteria provided, single submitter. Criteria: Invitae Variant Classification Sherloc (09022015). Collection method: clinical testing. Allele origin: germline.
Comment: This sequence change falls in intron 56 of the COL7A1 gene. It does not directly change the encoded amino acid sequence of the COL7A1 protein. It affects a nucleotide within the consensus splice site. This variant is present in population databases (rs780910426, gnomAD 0.002%). This variant has not been reported in the literature in individuals affected with COL7A1-related conditions. ClinVar contains an entry for this variant (Variation ID: 3607228). Variants that disrupt the consensus splice site are a relatively common cause of aberrant splicing (PMID: 17576681, 9536098). Algorithms developed to predict the effect of sequence changes on RNA splicing suggest that this variant is not likely to affect RNA splicing. In summary, the available evidence is currently insufficient to determine the role of this variant in disease. Therefore, it has been classified as a Variant of Uncertain Significance.

Literature cited by the submitters: PubMed 17576681; PubMed 9536098.

NM_000094.4(COL7A1):c.5124+6G>T

Gene: COL7A1 (collagen type VII alpha 1 chain; minus strand). Cytogenetic location: 3p21.31.
Variant type: single nucleotide variant.
Coding change: c.5124+6G>T on transcript NM_000094.4 (MANE Select); 6 bases into the intron after coding-DNA position 5124, G replaced by T.
Molecular consequence: intron variant.
Genome position (GRCh38, 1-based): chr3:48,580,025, C>A on the plus strand (G>T on the coding strand, the complement: COL7A1 is on the minus strand). VCF-style: chr3-48580025-C-A. GRCh37 (hg19) VCF-style: chr3-48617458-C-A.
Identifiers: ClinVar variation 3607228 (VCV003607228.2).